The following is an entry in ClinVar:

NM_002386.4(MC1R):c.686G>A (p.Arg229His)

Gene: MC1R (melanocortin 1 receptor; plus strand). Cytogenetic location: 16q24.3.
Variant type: single nucleotide variant.
Coding change: c.686G>A on transcript NM_002386.4 (MANE Select); coding-DNA position 686, G replaced by A.
Protein change: p.Arg229His; replaces arginine 229 with histidine.
Molecular consequence: missense variant.
Genome position (GRCh38, 1-based): chr16:89,919,944, G>A. VCF-style: chr16-89919944-G-A. GRCh37 (hg19) VCF-style: chr16-89986352-G-A.
Other names: short protein forms R229H.
Identifiers: ClinVar variation 239160 (VCV000239160.9), dbSNP rs376780075, ClinGen allele CA8255712.

ClinVar aggregate classification (germline): Uncertain significance (1 of 4 stars; one submission).

Conditions:
Melanoma, cutaneous malignant, susceptibility to, 5. Also called: Cutaneous malignant melanoma 5. Identifiers: Orphanet 618, MedGen C2751295, MONDO:0013133, OMIM 613099.

Allele frequency attached by ClinVar (database versions not stated): ExAC 0.00001; gnomAD exomes 0.00002; TOPMed 0.00002; ESP Exome Variant Server 0.00008.

Submission:

Labcorp Genetics (formerly Invitae), Labcorp
Classification: Uncertain significance for Melanoma, cutaneous malignant, susceptibility to, 5. Last evaluated: 2023-08-30. Review status: criteria provided, single submitter. Criteria: Invitae Variant Classification Sherloc (09022015). Collection method: clinical testing. Allele origin: germline.
Comment: In summary, the available evidence is currently insufficient to determine the role of this variant in disease. Therefore, it has been classified as a Variant of Uncertain Significance. Advanced modeling of protein sequence and biophysical properties (such as structural, functional, and spatial information, amino acid conservation, physicochemical variation, residue mobility, and thermodynamic stability) performed at Invitae indicates that this missense variant is not expected to disrupt MC1R protein function. ClinVar contains an entry for this variant (Variation ID: 239160). This variant has not been reported in the literature in individuals affected with MC1R-related conditions. This variant is present in population databases (rs376780075, gnomAD 0.006%). This sequence change replaces arginine, which is basic and polar, with histidine, which is basic and polar, at codon 229 of the MC1R protein (p.Arg229His).